The following is an entry in ClinVar:

NM_198053.3(CD247):c.365C>G (p.Ala122Gly)

Gene: CD247 (CD247 molecule; minus strand). Cytogenetic location: 1q24.2.
Variant type: single nucleotide variant.
Coding change: c.365C>G on transcript NM_198053.3 (MANE Select); coding-DNA position 365, C replaced by G.
Protein change: p.Ala122Gly; replaces alanine 122 with glycine.
Molecular consequence: missense variant.
Genome position (GRCh38, 1-based): chr1:167,434,048, G>C on the plus strand (C>G on the coding strand, the complement: CD247 is on the minus strand). VCF-style: chr1-167434048-G-C. GRCh37 (hg19) VCF-style: chr1-167403285-G-C.
Other names: c.362C>G, p.Ala121Gly (NM_000734.4); c.458C>G, p.Ala153Gly (NM_001378515.1); c.455C>G, p.Ala152Gly (NM_001378516.1); short protein forms A121G, A152G, A153G, A122G.
Identifiers: ClinVar variation 1976780 (VCV001976780.2), dbSNP rs372665461, ClinGen allele CA1225927.

ClinVar aggregate classification (germline): Uncertain significance (1 of 4 stars; one submission).

Conditions:
Immunodeficiency 25. Also called: Immunodeficiency due to defect in cd3-zeta, somatic. Identifiers: MedGen C1857798, MONDO:0012426, OMIM 610163.

Allele frequency attached by ClinVar (database versions not stated): TOPMed 0.00003; gnomAD 0.00004; ESP Exome Variant Server 0.00015.
gnomAD v4.1: 7 of 1,613,974 alleles (0.00043%); highest among the groups gnomAD compares: African/African-American, 0.0093%; no homozygotes.

Submission:

Labcorp Genetics (formerly Invitae), Labcorp
Classification: Uncertain significance for Immunodeficiency 25. Last evaluated: 2022-07-19. Review status: criteria provided, single submitter. Criteria: Invitae Variant Classification Sherloc (09022015). Collection method: clinical testing. Allele origin: germline.
Comment: This sequence change replaces alanine, which is neutral and non-polar, with glycine, which is neutral and non-polar, at codon 122 of the CD247 protein (p.Ala122Gly). This variant is present in population databases (rs372665461, gnomAD 0.02%). This variant has not been reported in the literature in individuals affected with CD247-related conditions. Algorithms developed to predict the effect of missense changes on protein structure and function (SIFT, PolyPhen-2, Align-GVGD) all suggest that this variant is likely to be tolerated. In summary, the available evidence is currently insufficient to determine the role of this variant in disease. Therefore, it has been classified as a Variant of Uncertain Significance.